The following is an entry in ClinVar:

ClinVar aggregate classification (germline): Pathogenic. Review status: criteria provided, multiple submitters, no conflicts (2 of 4 stars). 2 submissions from 2 submitters: Pathogenic (2). Last evaluated 2025-08-06.

Conditions:
Familial cancer of breast. Also called: BREAST CANCER, FAMILIAL; Hereditary breast cancer; hereditary breast carcinoma. Identifiers: Orphanet 227535, MedGen C0346153, MONDO:0016419, OMIM 114480. Disease mechanism: loss of function.
Hereditary cancer-predisposing syndrome. Also called: Neoplastic Syndromes, Hereditary; Tumor predisposition; Hereditary neoplastic syndrome; Hereditary Cancer Syndrome. Identifiers: Orphanet 140162, MedGen C0027672, MeSH D009386, MONDO:0015356.

Allele frequency attached by ClinVar (database versions not stated): gnomAD exomes below 0.00001; TOPMed below 0.00001.

Submissions (2):

Ambry Genetics
Classification: Pathogenic for Hereditary cancer-predisposing syndrome. Last evaluated: 2025-08-06. Review status: criteria provided, single submitter. Criteria: Ambry Variant Classification Scheme 2023. Collection method: clinical testing. Allele origin: germline.
Comment: The c.360delC pathogenic mutation, located in coding exon 2 of the CHEK2 gene, results from a deletion of one nucleotide at nucleotide position 360, causing a translational frameshift with a predicted alternate stop codon (p.C121Vfs*10). This variant is considered to be rare based on population cohorts in the Genome Aggregation Database (gnomAD). This alteration is expected to result in loss of function by premature protein truncation or nonsense-mediated mRNA decay. As such, this alteration is interpreted as a disease-causing mutation.

Labcorp Genetics (formerly Invitae), Labcorp
Classification: Pathogenic for Familial cancer of breast. Last evaluated: 2022-12-02. Review status: criteria provided, single submitter. Criteria: Invitae Variant Classification Sherloc (09022015). Collection method: clinical testing. Allele origin: germline.
Comment: For these reasons, this variant has been classified as Pathogenic. This variant has not been reported in the literature in individuals affected with CHEK2-related conditions. ClinVar contains an entry for this variant (Variation ID: 823985). This sequence change creates a premature translational stop signal (p.Cys121Valfs*10) in the CHEK2 gene. It is expected to result in an absent or disrupted protein product. Loss-of-function variants in CHEK2 are known to be pathogenic (PMID: 21876083, 24713400). This variant is not present in population databases (gnomAD no frequency).

Literature cited by the submitters: PubMed 21876083 (cited by Labcorp Genetics (formerly Invitae), Labcorp); PubMed 24713400 (cited by Labcorp Genetics (formerly Invitae), Labcorp).

NM_007194.4(CHEK2):c.360del (p.Cys121fs)

Gene: CHEK2 (checkpoint kinase 2; minus strand). Cytogenetic location: 22q12.1.
Variant type: Deletion.
Coding change: c.360del on transcript NM_007194.4 (MANE Select); coding-DNA position 360, one base deleted (C; older notation c.360delC).
Protein change: p.Cys121fs; shifts the reading frame from cysteine 121.
Molecular consequence: frameshift variant.
Genome position (GRCh38, 1-based): chr22:28,725,327, G deleted on the plus strand (C on the coding strand, the reverse complement: CHEK2 is on the minus strand). VCF-style (leftmost placement, unchanged base first): chr22-28725326-AG-A. GRCh37 (hg19) VCF-style: chr22-29121314-AG-A.
Other names: c.489delC, p.Cys164Valfs (NM_001005735.3); c.-418delC (NM_001257387.3); c.360delC, p.Cys121Valfs (NM_001349956.3, NM_145862.3); short protein forms C164fs, C121fs.
Identifiers: ClinVar variation 823985 (VCV000823985.13), dbSNP rs1601825829, ClinGen allele CA915952742.
Genomic context (GRCh38, chr22:28,725,326, plus strand): 5'-TGCTGTATGTTCGGTATTTATCTGTTCTTTTCAGCAGTGGTTCATCAAAGCAATATTCAC[AG>A]CTTTTGTCCCTCCCAAACCAGTAGTTGTCATTCACACATTCTGTAATATAAAAGCATGCA-3'